The following is an entry in ClinVar:

NM_183075.3(CYP2U1):c.534G>C (p.Arg178Ser)

Gene: CYP2U1 (cytochrome P450 family 2 subfamily U member 1; plus strand). Cytogenetic location: 4q25.
Variant type: single nucleotide variant.
Coding change: c.534G>C on transcript NM_183075.3 (MANE Select); coding-DNA position 534, G replaced by C.
Protein change: p.Arg178Ser; replaces arginine 178 with serine.
Molecular consequence: missense variant.
Genome position (GRCh38, 1-based): chr4:107,945,013, G>C. VCF-style: chr4-107945013-G-C. GRCh37 (hg19) VCF-style: chr4-108866169-G-C.
Other names: short protein forms R178S.
Identifiers: ClinVar variation 2632491 (VCV002632491.1), dbSNP rs2477021283, ClinGen allele CA357836378.

ClinVar aggregate classification (germline): Uncertain significance (1 of 4 stars; one submission).

Conditions:
CYP2U1-related disorder. Also called: CYP2U1-related condition.

Submission:

PreventionGenetics, part of Exact Sciences
Classification: Uncertain significance for CYP2U1-related condition. Last evaluated: 2023-05-29. Review status: criteria provided, single submitter. Criteria: ACMG Guidelines, 2015. Collection method: clinical testing. Allele origin: germline.
Comment: The CYP2U1 c.534G>C variant is predicted to result in the amino acid substitution p.Arg178Ser. To our knowledge, this variant has not been reported in the literature or in a large population database, indicating this variant is rare. At this time, the clinical significance of this variant is uncertain due to the absence of conclusive functional and genetic evidence.